The following is an entry in ClinVar:

NM_016038.4(SBDS):c.382T>C (p.Tyr128His)

Gene: SBDS (SBDS ribosome maturation factor; minus strand). Cytogenetic location: 7q11.21.
Variant type: single nucleotide variant.
Coding change: c.382T>C on transcript NM_016038.4 (MANE Select); coding-DNA position 382, T replaced by C.
Protein change: p.Tyr128His; replaces tyrosine 128 with histidine.
Molecular consequence: missense variant.
Genome position (GRCh38, 1-based): chr7:66,993,294, A>G on the plus strand (T>C on the coding strand, the complement: SBDS is on the minus strand). VCF-style: chr7-66993294-A-G. GRCh37 (hg19) VCF-style: chr7-66458281-A-G.
Other names: short protein forms Y128H.
Identifiers: ClinVar variation 3792715 (VCV003792715.1).

ClinVar aggregate classification (germline): Uncertain significance (1 of 4 stars; one submission).

Conditions:
Inborn genetic diseases. Identifiers: MedGen C0950123, MeSH D030342.

gnomAD v4.1: 16 of 1,614,108 alleles (0.00099%); highest among the groups gnomAD compares: Non-Finnish European, 0.0014%; no homozygotes.

Submission:

Ambry Genetics
Classification: Uncertain significance for Inborn genetic diseases. Last evaluated: 2025-01-17. Review status: criteria provided, single submitter. Criteria: Ambry Variant Classification Scheme 2023. Collection method: clinical testing. Allele origin: germline.
Comment: The p.Y128H variant (also known as c.382T>C), located in coding exon 3 of the SBDS gene, results from a T to C substitution at nucleotide position 382. The tyrosine at codon 128 is replaced by histidine, an amino acid with similar properties. This amino acid position is conserved. In addition, this alteration is predicted to be deleterious by in silico analysis. Based on the available evidence, the clinical significance of this variant remains unclear.